The following is an entry in ClinVar:

ClinVar aggregate classification (germline): Uncertain significance. Review status: criteria provided, multiple submitters, no conflicts (2 of 4 stars). 2 submissions from 2 submitters: Uncertain significance (2). Last evaluated 2023-11-27.

Conditions:
Deficiency of ferroxidase (ACEP). Also called: Aceruloplasminemia; Ceruloplasmin deficiency; Familial apoceruloplasmin deficiency; Hereditary ceruloplasmin deficiency; NEURODEGENERATION WITH BRAIN IRON ACCUMULATION 10; Deficiency of ceruloplasmin. Identifiers: Orphanet 48818, MedGen C0878682, MONDO:0011426, OMIM 604290, HP:0025498.

Allele frequency attached by ClinVar (database versions not stated): ExAC 0.00001; gnomAD 0.00001; gnomAD exomes 0.00002 and 0.00003; TOPMed 0.00003; ESP Exome Variant Server 0.00008.
gnomAD v4.1: 40 of 1,613,292 alleles (0.0025%); highest among the groups gnomAD compares: Non-Finnish European, 0.0031%; no homozygotes.

Submissions (2):

Labcorp Genetics (formerly Invitae), Labcorp
Classification: Uncertain significance for Deficiency of ferroxidase. Last evaluated: 2023-11-27. Review status: criteria provided, single submitter. Criteria: Invitae Variant Classification Sherloc (09022015). Collection method: clinical testing. Allele origin: germline.
Comment: This sequence change falls in intron 9 of the CP gene. It does not directly change the encoded amino acid sequence of the CP protein. It affects a nucleotide within the consensus splice site. This variant is present in population databases (rs372361874, gnomAD 0.004%). This variant has not been reported in the literature in individuals affected with CP-related conditions. ClinVar contains an entry for this variant (Variation ID: 343765). Variants that disrupt the consensus splice site are a relatively common cause of aberrant splicing (PMID: 17576681, 9536098). Algorithms developed to predict the effect of sequence changes on RNA splicing suggest that this variant is not likely to affect RNA splicing. In summary, the available evidence is currently insufficient to determine the role of this variant in disease. Therefore, it has been classified as a Variant of Uncertain Significance.

Illumina Laboratory Services, Illumina
Classification: Uncertain significance for Deficiency of ferroxidase. Last evaluated: 2018-01-13. Review status: criteria provided, single submitter. Criteria: ICSL Variant Classification Criteria 13 December 2019. Collection method: clinical testing. Allele origin: germline.

Literature cited by the submitters: PubMed 17576681 (cited by Labcorp Genetics (formerly Invitae), Labcorp); PubMed 9536098 (cited by Labcorp Genetics (formerly Invitae), Labcorp).

NM_000096.4(CP):c.1713+3A>G

Gene: CP (ceruloplasmin; minus strand). Cytogenetic location: 3q24.
Variant type: single nucleotide variant.
Coding change: c.1713+3A>G on transcript NM_000096.4 (MANE Select); 3 bases into the intron after coding-DNA position 1713, A replaced by G.
Molecular consequence: intron variant.
Genome position (GRCh38, 1-based): chr3:149,198,364, T>C on the plus strand (A>G on the coding strand, the complement: CP is on the minus strand). VCF-style: chr3-149198364-T-C. GRCh37 (hg19) VCF-style: chr3-148916151-T-C.
Identifiers: ClinVar variation 343765 (VCV000343765.9), dbSNP rs372361874, ClinGen allele CA2660944.